The following is an entry in ClinVar:

ClinVar aggregate classification (germline): Uncertain significance (1 of 4 stars; one submission).

Conditions:
Autosomal recessive severe congenital neutropenia due to G6PC3 deficiency. Also called: NEUTROPENIA, SEVERE CONGENITAL, 4, AUTOSOMAL RECESSIVE; G6PC3 Deficiency. Identifiers: Orphanet 331176, MedGen C2751630, MONDO:0012930, OMIM 612541.

Submission:

Labcorp Genetics (formerly Invitae), Labcorp
Classification: Uncertain significance for Autosomal recessive severe congenital neutropenia due to G6PC3 deficiency. Last evaluated: 2021-03-08. Review status: criteria provided, single submitter. Criteria: Invitae Variant Classification Sherloc (09022015). Collection method: clinical testing. Allele origin: germline.
Comment: In summary, the available evidence is currently insufficient to determine the role of this variant in disease. Therefore, it has been classified as a Variant of Uncertain Significance. Algorithms developed to predict the effect of missense changes on protein structure and function are either unavailable or do not agree on the potential impact of this missense change (SIFT: "Tolerated"; PolyPhen-2: "Possibly Damaging"; Align-GVGD: "Class C0"). This variant has not been reported in the literature in individuals with G6PC3-related conditions. This variant is not present in population databases (ExAC no frequency). This sequence change replaces glycine with aspartic acid at codon 33 of the G6PC3 protein (p.Gly33Asp). The glycine residue is moderately conserved and there is a moderate physicochemical difference between glycine and aspartic acid.

NM_138387.4(G6PC3):c.98G>A (p.Gly33Asp)

Genes: G6PC3 (glucose-6-phosphatase catalytic subunit 3; plus strand), LOC130060959 (ATAC-STARR-seq lymphoblastoid active region 12250; plus strand). Cytogenetic location: 17q21.31.
Variant type: single nucleotide variant.
Coding change: c.98G>A on transcript NM_138387.4 (MANE Select); coding-DNA position 98, G replaced by A.
Protein change: p.Gly33Asp; replaces glycine 33 with aspartic acid.
Molecular consequence: missense variant. On other transcripts: 5 prime UTR variant (3), intron variant (1).
Genome position (GRCh38, 1-based): chr17:44,071,063, G>A. VCF-style: chr17-44071063-G-A. GRCh37 (hg19) VCF-style: chr17-42148431-G-A.
Other names: c.98G>A, p.Gly33Asp (NM_001319945.2); c.-307G>A (NM_001384165.1); c.-442G>A (NM_001384166.1); c.-432G>A (NM_001384167.1); c.-312+349G>A (NM_001384168.1); short protein forms G33D.
Identifiers: ClinVar variation 1514976 (VCV001514976.8), dbSNP rs1448628053, ClinGen allele CA399745893.